The following is an entry in ClinVar:

ClinVar aggregate classification (germline): Likely pathogenic (1 of 4 stars; one submission).

Conditions:
Charcot-Marie-Tooth disease type 2. Also called: Charcot-Marie-Tooth type 2. Identifiers: Orphanet 64746, MedGen C0270914, MONDO:0018993.

Submission:

Labcorp Genetics (formerly Invitae), Labcorp
Classification: Likely pathogenic for Charcot-Marie-Tooth disease type 2. Last evaluated: 2022-07-22. Review status: criteria provided, single submitter. Criteria: Invitae Variant Classification Sherloc (09022015). Collection method: clinical testing. Allele origin: germline.
Comment: This sequence change affects an acceptor splice site in intron 9 of the LMNA gene. It is expected to disrupt RNA splicing. Variants that disrupt the donor or acceptor splice site typically lead to a loss of protein function (PMID: 16199547), and loss-of-function variants in LMNA are known to be pathogenic (PMID: 18585512, 18926329). This variant is not present in population databases (gnomAD no frequency). This variant has not been reported in the literature in individuals affected with LMNA-related conditions. Algorithms developed to predict the effect of sequence changes on RNA splicing suggest that this variant may disrupt the consensus splice site. In summary, the currently available evidence indicates that the variant is pathogenic, but additional data are needed to prove that conclusively. Therefore, this variant has been classified as Likely Pathogenic.

Literature cited by the submitters: PubMed 16199547; PubMed 18585512; PubMed 18926329.

NM_170707.4(LMNA):c.1609-2A>G

Gene: LMNA (lamin A/C; plus strand). Cytogenetic location: 1q22.
Variant type: single nucleotide variant.
Coding change: c.1609-2A>G on transcript NM_170707.4 (MANE Select); the canonical splice acceptor site of the intron before coding-DNA position 1609, A replaced by G.
Molecular consequence: splice acceptor variant. On other transcripts: intron variant (1).
Genome position (GRCh38, 1-based): chr1:156,137,652, A>G. VCF-style: chr1-156137652-A-G. GRCh37 (hg19) VCF-style: chr1-156107443-A-G.
Other names: c.1609-2A>G (NM_001406983.1, NM_001282625.2, NM_001406984.1 and 5 more transcripts); c.1051-2A>G (NM_001407002.1, NM_001406993.1, NM_001407003.1 and 4 more transcripts); c.985-2A>G (NM_001406999.1, NM_001407000.1, NM_001406994.1 and 1 more transcripts); c.1366-2A>G (NM_001406986.1, NM_001406987.1, NM_001282624.2); c.1608+420A>G (NM_170708.4); c.1273-2A>G (NM_001406989.1, NM_001257374.3, NM_001406998.1); c.1312-2A>G (NM_001406988.1).
Identifiers: ClinVar variation 2018990 (VCV002018990.4), dbSNP rs2528018166, ClinGen allele CA342825274.
Genomic context (GRCh38, chr1:156,137,652, plus strand): 5'-AGACATGCTGTACAACCCTTCCCTGGCCCTGACCCTTGGACCTGGTTCCATGTCCCCACC[A>G]GGAAGTGGCCATGCGCAAGCTGGTGCGCTCAGTGACTGTGGTTGAGGACGACGAGGATGA-3'